The following is an entry in ClinVar:

ClinVar aggregate classification (germline): Conflicting classifications of pathogenicity. Review status: criteria provided, conflicting classifications (1 of 4 stars). 2 submissions from 2 submitters: Uncertain significance (1); Likely benign (1). Last evaluated 2026-07-01.

Allele frequency attached by ClinVar (database versions not stated): ExAC 0.00004; gnomAD 0.00005; gnomAD exomes 0.00008; TOPMed 0.00008.
gnomAD v4.1: 117 of 1,564,518 alleles (0.0075%); highest among the groups gnomAD compares: Admixed American, 0.049%; no homozygotes.

Submissions (2):

CeGaT Center for Human Genetics Tuebingen
Classification: Likely benign. Last evaluated: 2026-07-01. Review status: criteria provided, single submitter. Criteria: CeGaT Center For Human Genetics Tuebingen Variant Classification Criteria Version 2. Collection method: clinical testing. Allele origin: germline. Affected: yes. Observed: 1 variant allele.
Comment: ZMYND8: BS2

Ambry Genetics
Classification: Uncertain significance. Last evaluated: 2024-11-14. Review status: criteria provided, single submitter. Criteria: Ambry Variant Classification Scheme 2023. Collection method: clinical testing. Allele origin: germline.

NM_001281775.3(ZMYND8):c.3446C>T (p.Thr1149Met)

Gene: ZMYND8 (zinc finger MYND-type containing 8; minus strand). Cytogenetic location: 20q13.12.
Variant type: single nucleotide variant.
Coding change: c.3446C>T on transcript NM_001281775.3 (MANE Select); coding-DNA position 3446, C replaced by T.
Protein change: p.Thr1149Met; replaces threonine 1149 with methionine.
Molecular consequence: missense variant.
Genome position (GRCh38, 1-based): chr20:47,220,296, G>A on the plus strand (C>T on the coding strand, the complement: ZMYND8 is on the minus strand). VCF-style: chr20-47220296-G-A. GRCh37 (hg19) VCF-style: chr20-45848947-G-A.
Other names: c.2990C>T, p.Thr997Met (NM_001281771.3); c.3386C>T, p.Thr1129Met (NM_001281772.3, NM_001281773.3, NM_001363741.2); c.3248C>T, p.Thr1083Met (NM_001281774.3); c.3065C>T, p.Thr1022Met (NM_001281776.3); c.3233C>T, p.Thr1078Met (NM_001281777.3, NM_183048.4); c.3371C>T, p.Thr1124Met (NM_001281778.3); c.2504C>T, p.Thr835Met (NM_001281779.3, NM_001281780.3); c.3092C>T, p.Thr1031Met (NM_001281781.3); and 5 more; short protein forms T1022M, T1078M, T1124M, T997M, T1051M, T1077M, T1083M, T835M.
Identifiers: ClinVar variation 3193861 (VCV003193861.3), dbSNP rs774218893, ClinGen allele CA9893106.
Genomic context (GRCh38, chr20:47,220,296, plus strand): 5'-CGCCCACCAGGGGGCAACATACCAGAGCCTTGGTTGGAGCCTAAGAGAATGGAGGAGGGC[G>A]TCTCTCTGGAGCCAGAAAGGTCAAGGGTCTAGAAATACAAAAAGAAAAAGATGGACTCAA-3'
Protein context (NP_001268704.1, residues 1139-1159): STLDLSGSRE[Thr1149Met]PSSILLGSNQ